The following is an entry in ClinVar:

ClinVar aggregate classification (germline): Uncertain significance. Review status: criteria provided, multiple submitters, no conflicts (2 of 4 stars). 2 submissions from 2 submitters: Uncertain significance (2). Last evaluated 2025-08-08.

Allele frequency attached by ClinVar (database versions not stated): 1000 Genomes Project 0.00020; 1000 Genomes Project 30x 0.00016.
gnomAD v4.1: 41 of 1,613,716 alleles (0.0025%); highest among the groups gnomAD compares: Admixed American, 0.037%; no homozygotes.

Submissions (2):

Ambry Genetics
Classification: Uncertain significance. Last evaluated: 2025-08-08. Review status: criteria provided, single submitter. Criteria: Ambry Variant Classification Scheme 2023. Collection method: clinical testing. Allele origin: germline.

Labcorp Genetics (formerly Invitae), Labcorp
Classification: Uncertain significance. Last evaluated: 2022-11-08. Review status: criteria provided, single submitter. Criteria: Invitae Variant Classification Sherloc (09022015). Collection method: clinical testing. Allele origin: germline.
Comment: In summary, the available evidence is currently insufficient to determine the role of this variant in disease. Therefore, it has been classified as a Variant of Uncertain Significance. Algorithms developed to predict the effect of missense changes on protein structure and function are either unavailable or do not agree on the potential impact of this missense change (SIFT: "Not Available"; PolyPhen-2: "Benign"; Align-GVGD: "Not Available"). ClinVar contains an entry for this variant (Variation ID: 1387841). This variant has not been reported in the literature in individuals affected with CTSB-related conditions. This variant is present in population databases (rs550759533, gnomAD 0.06%), and has an allele count higher than expected for a pathogenic variant. This sequence change replaces arginine, which is basic and polar, with proline, which is neutral and non-polar, at codon 331 of the CTSB protein (p.Arg331Pro).

NM_001908.5(CTSB):c.992G>C (p.Arg331Pro)

Gene: CTSB (cathepsin B). Cytogenetic location: 8p23.1.
Variant type: single nucleotide variant.
Coding change: c.992G>C on transcript NM_001908.5 (MANE Select); coding-DNA position 992, G replaced by C.
Protein change: p.Arg331Pro; replaces arginine 331 with proline.
Molecular consequence: missense variant.
Genome position (GRCh38, 1-based): chr8:11,845,153, C>G on the plus strand (G>C on the coding strand, the complement: CTSB is on the minus strand). VCF-style: chr8-11845153-C-G. GRCh37 (hg19) VCF-style: chr8-11702662-C-G.
Other names: c.620G>C, p.Arg207Pro (NM_001317237.2); c.992G>C, p.Arg331Pro (NM_001384714.1, NM_001384723.1, NM_001384724.1 and 8 more transcripts); c.992G>C (NM_001908.3); short protein forms R207P, R331P.
Identifiers: ClinVar variation 1387841 (VCV001387841.9), dbSNP rs550759533, ClinGen allele CA4632331.